The following is an entry in ClinVar:

NM_004656.4(BAP1):c.1787_1788delinsAA (p.Ser596Lys)

Gene: BAP1 (BRCA1 associated deubiquitinase 1; minus strand). Cytogenetic location: 3p21.1.
Variant type: Indel.
Coding change: c.1787_1788delinsAA on transcript NM_004656.4 (MANE Select); coding-DNA positions 1787 to 1788, GC replaced by AA.
Protein change: p.Ser596Lys; replaces serine 596 with lysine.
Molecular consequence: missense variant.
Genome position (GRCh38, 1-based): chr3:52,403,240-52,403,241, GC replaced by TT on the plus strand (GC replaced by AA on the coding strand, the reverse complement: BAP1 is on the minus strand). VCF-style: chr3-52403240-GC-TT. GRCh37 (hg19) VCF-style: chr3-52437256-GC-TT.
Other names: c.1733_1734delinsAA, p.Ser578Lys (NM_001410772.1); short protein forms S578K, S596K.
Identifiers: ClinVar variation 4718635 (VCV004718635.1).
Genomic context (GRCh38, chr3:52,403,240, plus strand): 5'-CACCATCCCCGTCTTCTCTCTGCTGTCCGTGGCTTCCACGACCTCCTTCTCCACTGGGCT[GC>TT]TGGACCCCTGGCTGCCTTGGATTGGTCTGATGGAGGGCGAGGAACCCTTCCCACCCTCTG-3'
Protein context (NP_004647.1, residues 586-606): IRPIQGSQGS[Ser596Lys]SPVEKEVVEA

ClinVar aggregate classification (germline): Uncertain significance (1 of 4 stars; one submission).

Conditions:
BAP1-related tumor predisposition syndrome (TPDS1). Also called: BAP1 tumor predisposition syndrome; Tumor susceptibility linked to germline BAP1 mutations; COMMON Syndrome; TUMOR PREDISPOSITION SYNDROME 1. Identifiers: Orphanet 289539, MedGen C3280492, MONDO:0013692, OMIM 614327.

Submission:

Labcorp Genetics (formerly Invitae), Labcorp
Classification: Uncertain significance for BAP1-related tumor predisposition syndrome. Last evaluated: 2025-04-30. Review status: criteria provided, single submitter. Criteria: Invitae Variant Classification Sherloc (09022015). Collection method: clinical testing. Allele origin: germline.
Comment: This sequence change replaces serine, which is neutral and polar, with lysine, which is basic and polar, at codon 596 of the BAP1 protein (p.Ser596Lys). Information on the frequency of this variant in the gnomAD database is not available, as this variant may be reported differently in the database. This variant has not been reported in the literature in individuals affected with BAP1-related conditions. An algorithm developed to predict the effect of missense changes on protein structure and function (PolyPhen-2) suggests that this variant is likely to be tolerated. In summary, the available evidence is currently insufficient to determine the role of this variant in disease. Therefore, it has been classified as a Variant of Uncertain Significance.